The following is an entry in ClinVar:

ClinVar aggregate classification (germline): Uncertain significance (1 of 4 stars; one submission).

Conditions:
Ehlers-Danlos syndrome, classic type, 1 (EDSCL1). Also called: Ehlers-Danlos Syndrome, Classic Type, COL5A1-Related; EHLERS-DANLOS SYNDROME, GRAVIS TYPE; EHLERS-DANLOS SYNDROME, SEVERE CLASSIC TYPE; Ehlers-Danlos syndrome, type 1; EDS I. Identifiers: MedGen C0268335, MONDO:0019567, OMIM 130000.

Submission:

Labcorp Genetics (formerly Invitae), Labcorp
Classification: Uncertain significance for Ehlers-Danlos syndrome, classic type, 1. Last evaluated: 2022-03-19. Review status: criteria provided, single submitter. Criteria: Invitae Variant Classification Sherloc (09022015). Collection method: clinical testing. Allele origin: germline.
Comment: In summary, the available evidence is currently insufficient to determine the role of this variant in disease. Therefore, it has been classified as a Variant of Uncertain Significance. This variant disrupts the triple helix domain of COL5A1. Glycine residues within the Gly-Xaa-Yaa repeats of the triple helix domain are required for the structure and stability of fibrillar collagens (PMID: 7695699, 8218237, 19344236), and variants at these glycine residues in COL5A1 are more frequently observed in individuals with disease than in the general population (PMID: 22696272, 23587214). However, the clinical significance of this observation remains uncertain since only a limited number of affected individuals have been described to date. Advanced modeling of protein sequence and biophysical properties (such as structural, functional, and spatial information, amino acid conservation, physicochemical variation, residue mobility, and thermodynamic stability) performed at Invitae indicates that this missense variant is expected to disrupt COL5A1 protein function. This variant has not been reported in the literature in individuals affected with COL5A1-related conditions. This variant is not present in population databases (gnomAD no frequency). This sequence change replaces glycine, which is neutral and non-polar, with arginine, which is basic and polar, at codon 607 of the COL5A1 protein (p.Gly607Arg).

Literature cited by the submitters: PubMed 7695699; PubMed 8218237; PubMed 19344236; PubMed 22696272; PubMed 23587214.

NM_000093.5(COL5A1):c.1819G>A (p.Gly607Arg)

Gene: COL5A1 (collagen type V alpha 1 chain; plus strand). Cytogenetic location: 9q34.3.
Variant type: single nucleotide variant.
Coding change: c.1819G>A on transcript NM_000093.5 (MANE Select); coding-DNA position 1819, G replaced by A.
Protein change: p.Gly607Arg; replaces glycine 607 with arginine.
Molecular consequence: missense variant.
Genome position (GRCh38, 1-based): chr9:134,754,318, G>A. VCF-style: chr9-134754318-G-A. GRCh37 (hg19) VCF-style: chr9-137646164-G-A.
Other names: c.1819G>A, p.Gly607Arg (NM_001278074.1); short protein forms G607R.
Identifiers: ClinVar variation 2190493 (VCV002190493.4), dbSNP rs2132690862, ClinGen allele CA375445040.